The following is an entry in ClinVar:

ClinVar aggregate classification (germline): Conflicting classifications of pathogenicity. Review status: criteria provided, conflicting classifications (1 of 4 stars). 2 submissions from 2 submitters: Uncertain significance (1); Likely benign (1). Last evaluated 2026-02-13.

Conditions:
Cardiovascular phenotype. Identifiers: MedGen CN230736.
Arrhythmogenic cardiomyopathy with wooly hair and keratoderma. Also called: Arrhythmogenic cardiomyopathy with woolly hair and keratoderma; PALMOPLANTAR KERATODERMA WITH LEFT VENTRICULAR CARDIOMYOPATHY AND WOOLLY HAIR; Carvajal syndrome; Dilated cardiomyopathy with woolly hair and keratoderma. Identifiers: Orphanet 65282, MedGen C1854063, MONDO:0011581, OMIM 605676.
Arrhythmogenic right ventricular dysplasia 8 (ARVD8). Also called: Arrhythmogenic Right Ventricular Dysplasia/Cardiomyopathy 8; ARRHYTHMOGENIC RIGHT VENTRICULAR DYSPLASIA, FAMILIAL, 8; ARRHYTHMOGENIC RIGHT VENTRICULAR CARDIOMYOPATHY 8. Identifiers: MedGen C1843896, MONDO:0011831, OMIM 607450.

Allele frequency attached by ClinVar (database versions not stated): gnomAD exomes below 0.00001; TOPMed below 0.00001.
gnomAD v4.1: 1 of 1,614,156 alleles (0.000062%); highest among the groups gnomAD compares: African/African-American, 0.0013%; no homozygotes.

Submissions (2):

Ambry Genetics
Classification: Uncertain significance for Cardiovascular phenotype. Last evaluated: 2026-02-13. Review status: criteria provided, single submitter. Criteria: Ambry Variant Classification Scheme 2023. Collection method: clinical testing. Allele origin: germline.
Comment: The p.E2313K variant (also known as c.6937G>A), located in coding exon 24 of the DSP gene, results from a G to A substitution at nucleotide position 6937. The glutamic acid at codon 2313 is replaced by lysine, an amino acid with similar properties. This amino acid position is conserved. In addition, this alteration is predicted to be deleterious by in silico analysis. Based on the available evidence, the clinical significance of this variant remains unclear.

Labcorp Genetics (formerly Invitae), Labcorp
Classification: Likely benign for Arrhythmogenic cardiomyopathy with wooly hair and keratoderma; Arrhythmogenic right ventricular dysplasia 8. Last evaluated: 2024-03-04. Review status: criteria provided, single submitter. Criteria: Invitae Variant Classification Sherloc (09022015). Collection method: clinical testing. Allele origin: germline.

NM_004415.4(DSP):c.6937G>A (p.Glu2313Lys)

Gene: DSP (desmoplakin; plus strand). Cytogenetic location: 6p24.3.
Variant type: single nucleotide variant.
Coding change: c.6937G>A on transcript NM_004415.4 (MANE Select); coding-DNA position 6937, G replaced by A.
Protein change: p.Glu2313Lys; replaces glutamic acid 2313 with lysine.
Molecular consequence: missense variant.
Genome position (GRCh38, 1-based): chr6:7,584,199, G>A. VCF-style: chr6-7584199-G-A. GRCh37 (hg19) VCF-style: chr6-7584432-G-A.
Other names: c.5140G>A, p.Glu1714Lys (NM_001008844.3); c.5608G>A, p.Glu1870Lys (NM_001319034.2); c.6937G>A (NM_004415.2); short protein forms E1870K, E1714K, E2313K.
Identifiers: ClinVar variation 1506680 (VCV001506680.9), dbSNP rs1411539976, ClinGen allele CA362691878.